The following is an entry in ClinVar:

ClinVar aggregate classification (germline): Uncertain significance (1 of 4 stars; one submission).

Conditions:
Hereditary cancer-predisposing syndrome. Also called: Neoplastic Syndromes, Hereditary; Tumor predisposition; Hereditary neoplastic syndrome; Hereditary Cancer Syndrome. Identifiers: Orphanet 140162, MedGen C0027672, MeSH D009386, MONDO:0015356.

Submission:

Ambry Genetics
Classification: Uncertain significance for Hereditary cancer-predisposing syndrome. Last evaluated: 2026-07-11. Review status: criteria provided, single submitter. Criteria: Ambry Variant Classification Scheme 2023. Collection method: clinical testing. Allele origin: germline.
Comment: The p.L1521Q variant (also known as c.4562T>A), located in coding exon 10 of the BRCA2 gene, results from a T to A substitution at nucleotide position 4562. The leucine at codon 1521 is replaced by glutamine, an amino acid with dissimilar properties. This amino acid position is conserved. In addition, this alteration is predicted to be tolerated by in silico analysis. Based on the available evidence, the clinical significance of this variant remains unclear.

NM_000059.4(BRCA2):c.4562T>A (p.Leu1521Gln)

Gene: BRCA2 (BRCA2 DNA repair associated; plus strand). Cytogenetic location: 13q13.1.
Variant type: single nucleotide variant.
Coding change: c.4562T>A on transcript NM_000059.4 (MANE Select); coding-DNA position 4562, T replaced by A.
Protein change: p.Leu1521Gln; replaces leucine 1521 with glutamine.
Molecular consequence: missense variant. On other transcripts: non-coding transcript variant (1), intron variant (2).
Genome position (GRCh38, 1-based): chr13:32,338,917, T>A. VCF-style: chr13-32338917-T-A. GRCh37 (hg19) VCF-style: chr13-32913054-T-A.
Other names: c.4562T>A, p.Leu1521Gln (NM_001406719.1, NM_001406720.1, NM_001432077.1); c.1909+5530T>A (NM_001406721.1); c.425-5641T>A (NM_001406722.1); short protein forms L1521Q.
Identifiers: ClinVar variation 5033305 (VCV005033305.1).
Genomic context (GRCh38, chr13:32,338,917, plus strand): 5'-ATCAACTAGTGACCTTCCAGGGACAACCCGAACGTGATGAAAAGATCAAAGAACCTACTC[T>A]ATTGGGTTTTCATACAGCTAGCGGGAAAAAAGTTAAAATTGCAAAGGAATCTTTGGACAA-3'
Protein context (NP_000050.3, residues 1511-1531): ERDEKIKEPT[Leu1521Gln]LGFHTASGKK